The following is an entry in ClinVar:

NM_001277115.2(DNAH11):c.11327T>C (p.Leu3776Pro)

Gene: DNAH11 (dynein axonemal heavy chain 11; plus strand). Cytogenetic location: 7p15.3.
Variant type: single nucleotide variant.
Coding change: c.11327T>C on transcript NM_001277115.2 (MANE Select); coding-DNA position 11327, T replaced by C.
Protein change: p.Leu3776Pro; replaces leucine 3776 with proline.
Molecular consequence: missense variant.
Genome position (GRCh38, 1-based): chr7:21,861,977, T>C. VCF-style: chr7-21861977-T-C. GRCh37 (hg19) VCF-style: chr7-21901595-T-C.
Other names: NM_001277115.2(DNAH11):c.11327T>C; p.Leu3776Pro; short protein forms L3776P.
Identifiers: ClinVar variation 454640 (VCV000454640.3), dbSNP rs751761608, ClinGen allele CA4182703.

ClinVar aggregate classification (germline): Uncertain significance. Review status: criteria provided, multiple submitters, no conflicts (2 of 4 stars). 2 submissions from 2 submitters: Uncertain significance (2). Last evaluated 2025-02-19.

Conditions:
Primary ciliary dyskinesia 7. Also called: CILIARY DYSKINESIA, PRIMARY, 7, WITH OR WITHOUT SITUS INVERSUS. Identifiers: Orphanet 244, MedGen C2678473, MONDO:0012748, OMIM 611884.
Primary ciliary dyskinesia. Also called: Ciliary dyskinesia. Identifiers: Orphanet 244, MedGen C0008780, MONDO:0016575, HP:0012265.

Allele frequency attached by ClinVar (database versions not stated): gnomAD exomes below 0.00001 and 0.00001; ExAC 0.00001; gnomAD 0.00001; TOPMed 0.00002.
gnomAD v4.1: 4 of 1,613,586 alleles (0.00025%); highest among the groups gnomAD compares: African/African-American, 0.0013%; no homozygotes.

Submissions (2):

Broad Center for Mendelian Genomics, Broad Institute of MIT and Harvard
Classification: Uncertain significance for Primary ciliary dyskinesia 7. Last evaluated: 2025-02-19. Review status: criteria provided, single submitter. Criteria: ACMG Guidelines, 2015. Collection method: curation. Allele origin: germline. Inheritance: Autosomal recessive inheritance.
Comment: The p.Leu3776Pro variant in DNAH11 has been reported, in the compound heterozygous state, in 1 individual with primary ciliary dyskinesia (PMID: 31772028), but has been identified in 0.001% (1/74936) of African/African American chromosomes by the Genome Aggregation Database (gnomAD; dbSNP rs751761608). Although this variant has been seen in the general population in a heterozygous state, its frequency is low enough to be consistent with a recessive carrier frequency. This variant has also been reported in ClinVar (Variation ID: 454640) and has been interpreted as a variant of uncertain significance by Invitae. Computational prediction tools and conservation analyses suggest that this variant may impact the protein, though this information is not predictive enough to determine pathogenicity. In summary, the clinical significance of the p.Leu3776Pro variant is uncertain. ACMG/AMP Criteria applied: PP3_moderate, PM3, PM2_supporting (Richards 2015).

Labcorp Genetics (formerly Invitae), Labcorp
Classification: Uncertain significance for Primary ciliary dyskinesia. Last evaluated: 2019-04-13. Review status: criteria provided, single submitter. Criteria: Invitae Variant Classification Sherloc (09022015). Collection method: clinical testing. Allele origin: germline.
Comment: This sequence change replaces leucine with proline at codon 3776 of the DNAH11 protein (p.Leu3776Pro). The leucine residue is highly conserved and there is a moderate physicochemical difference between leucine and proline. This variant is present in population databases (rs751761608, ExAC 0.002%). This variant has not been reported in the literature in individuals with DNAH11-related conditions. ClinVar contains an entry for this variant (Variation ID: 454640). Algorithms developed to predict the effect of missense changes on protein structure and function (SIFT, PolyPhen-2, Align-GVGD) all suggest that this variant is likely to be disruptive, but these predictions have not been confirmed by published functional studies and their clinical significance is uncertain. In summary, the available evidence is currently insufficient to determine the role of this variant in disease. Therefore, it has been classified as a Variant of Uncertain Significance.